The following is an entry in ClinVar:

ClinVar aggregate classification (germline): Pathogenic. Review status: criteria provided, multiple submitters, no conflicts (2 of 4 stars). 5 submissions from 5 submitters: Pathogenic (5). Last evaluated 2025-08-18.

Conditions:
Neurofibromatosis, type 1 (NF1). Also called: VON RECKLINGHAUSEN DISEASE; NEUROFIBROMATOSIS, TYPE I, SOMATIC; Peripheral type neurofibromatosis; Neurofibromatosis, type I. Identifiers: Orphanet 636, MedGen C0027831, MONDO:0018975, OMIM 162200. Disease mechanism: loss of function.

Submissions (5):

Labcorp Genetics (formerly Invitae), Labcorp
Classification: Pathogenic for Neurofibromatosis, type 1. Last evaluated: 2025-08-18. Review status: criteria provided, single submitter. Criteria: Invitae Variant Classification Sherloc (09022015). Collection method: clinical testing. Allele origin: germline.
Comment: This sequence change creates a premature translational stop signal (p.Leu1153Thrfs*42) in the NF1 gene. It is expected to result in an absent or disrupted protein product. Loss-of-function variants in NF1 are known to be pathogenic (PMID: 10712197, 23913538). This variant is not present in population databases (gnomAD no frequency). This premature translational stop signal has been observed in individual(s) with neurofibromatosis type 1 (PMID: 25074460, 26969325). Invitae Evidence Modeling of clinical and family history, age, sex, and reported ancestry of multiple individuals with this NF1 variant has been performed. This variant is expected to be pathogenic with a positive predictive value of at least 99%. This is a validated machine learning model that incorporates the clinical features of 1,785,918 individuals referred to our laboratory for NF1 testing. This variant is also known as c.3456dupA. ClinVar contains an entry for this variant (Variation ID: 656975). Algorithms developed to predict the effect of sequence changes on RNA splicing suggest that this variant may disrupt the consensus splice site. For these reasons, this variant has been classified as Pathogenic.

3billion
Classification: Pathogenic for Neurofibromatosis, type 1. Last evaluated: 2025-01-19. Review status: criteria provided, single submitter. Criteria: ACMG Guidelines, 2015. Collection method: clinical testing. Allele origin: germline. Affected: yes.
Comment: The variant is not observed in the gnomAD v4.1.0 dataset. Predicted Consequence/Location: Frameshift: predicted to result in a loss or disruption of normal protein function through nonsense-mediated decay (NMD) or protein truncation. Multiple pathogenic variants are reported downstream of the variant. The variant has been reported at least twice as pathogenic with clinical assertions and evidence for the classification (ClinVar ID: VCV000656975 /PMID: 25074460). Therefore, this variant is classified as Pathogenic according to the recommendation of ACMG/AMP guideline.

GeneDx
Classification: Pathogenic. Last evaluated: 2022-08-05. Review status: criteria provided, single submitter. Criteria: GeneDx Variant Classification Process June 2021. Collection method: clinical testing. Allele origin: germline. Affected: yes.
Comment: Frameshift variant predicted to result in protein truncation or nonsense mediated decay in a gene for which loss-of-function is a known mechanism of disease; Not observed at significant frequency in large population cohorts (gnomAD); This variant is associated with the following publications: (PMID: 25074460, 28433079, 26969325)

Genome-Nilou Lab
Classification: Pathogenic for Neurofibromatosis, type 1. Last evaluated: 2022-03-15. Review status: criteria provided, single submitter. Criteria: ACMG Guidelines, 2015. Collection method: clinical testing. Allele origin: germline. Affected: no.

Genome Diagnostics Laboratory, The Hospital for Sick Children
Classification: Pathogenic for Neurofibromatosis, type 1. Last evaluated: 2020-10-26. Review status: criteria provided, single submitter. Criteria: ACMG Guidelines, 2015. Collection method: clinical testing. Allele origin: germline. Affected: yes.

Literature cited by the submitters: PubMed 10712197 (cited by Labcorp Genetics (formerly Invitae), Labcorp); PubMed 23913538 (cited by Labcorp Genetics (formerly Invitae), Labcorp); PubMed 25074460 (cited by Labcorp Genetics (formerly Invitae), Labcorp and 3billion); PubMed 26969325 (cited by Labcorp Genetics (formerly Invitae), Labcorp).

NM_001042492.3(NF1):c.3456dup (p.Leu1153fs)

Gene: NF1 (neurofibromin 1; plus strand). Cytogenetic location: 17q11.2.
Variant type: Duplication.
Coding change: c.3456dup on transcript NM_001042492.3 (MANE Select); coding-DNA position 3456, one base duplicated (A; older notation c.3456dupA).
Protein change: p.Leu1153fs; shifts the reading frame from leucine 1153.
Molecular consequence: frameshift variant.
Genome position (GRCh38, 1-based): chr17:31,232,841, A duplicated. VCF-style (leftmost placement, unchanged base first): chr17-31232840-T-TA. GRCh37 (hg19) VCF-style: chr17-29559858-T-TA.
Other names: c.3456dupA (NM_000267.3); c.3456dup, p.Leu1153Thrfs (NM_000267.4); short protein forms L1153fs.
Identifiers: ClinVar variation 656975 (VCV000656975.14), dbSNP rs1430634618, ClinGen allele CA625471456.